The following is an entry in ClinVar:

ClinVar aggregate classification (germline): Uncertain significance. Review status: criteria provided, single submitter (1 of 4 stars). 2 submissions from 2 submitters: Uncertain significance (1). 1 of the submissions does not count toward it. Last evaluated 2016-12-06.

Conditions:
Usher syndrome type 2A. Also called: USHER SYNDROME, TYPE IIA; RETINAL DISEASE IN USHER SYNDROME TYPE IIA, MODIFIER OF. Identifiers: Orphanet 231178, Orphanet 886, MedGen C1848634, MONDO:0010169, OMIM 276901.

gnomAD v4.1: 1 of 1,614,090 alleles (0.000062%); highest among the groups gnomAD compares: Non-Finnish European, 0.000085%; no homozygotes.

Submissions (2):

Laboratory for Molecular Medicine, Mass General Brigham Personalized Medicine
Classification: Uncertain significance. Last evaluated: 2016-12-06. Review status: criteria provided, single submitter. Criteria: LMM Criteria. Collection method: clinical testing. Allele origin: germline. Observed: 1 variant allele.
Comment: The p.Gly4401Val variant in USH2A has not been previously reported in individual s with hearing loss or in large population studies. Computational prediction too ls and conservation analysis suggest that the p.Gly4401Val variant may impact th e protein, though this information is not predictive enough to determine pathoge nicity. In summary, the clinical significance of the p.Gly4401Val variant is unc ertain.

Natera, Inc.
Classification: Uncertain significance for Usher syndrome type 2A. Last evaluated: 2021-09-10. Review status: no assertion criteria provided. Collection method: clinical testing. Allele origin: germline. Not counted in ClinVar's aggregate classification.

NM_206933.4(USH2A):c.13202G>T (p.Gly4401Val)

Gene: USH2A (usherin; minus strand). Cytogenetic location: 1q41.
Variant type: single nucleotide variant.
Coding change: c.13202G>T on transcript NM_206933.4 (MANE Select); coding-DNA position 13202, G replaced by T.
Protein change: p.Gly4401Val; replaces glycine 4401 with valine.
Molecular consequence: missense variant.
Genome position (GRCh38, 1-based): chr1:215,674,709, C>A on the plus strand (G>T on the coding strand, the complement: USH2A is on the minus strand). VCF-style: chr1-215674709-C-A. GRCh37 (hg19) VCF-style: chr1-215848051-C-A.
Other names: short protein forms G4401V.
Identifiers: ClinVar variation 505404 (VCV000505404.6), dbSNP rs763576540, ClinGen allele CA344846187.
Genomic context (GRCh38, chr1:215,674,709, plus strand): 5'-AGGGAGAAGTTATACTGAGAGTAAGGCTGCAGGTGGGAAACCAGCAGGCACAGGCCCTGG[C>A]CAGCAAGGGACTCTTTATTATCATATCTAACTAAATATTTAGTAATCTTTCCATTTTGCA-3'
Protein context (NP_996816.3, residues 4391-4411): VRYDNKESLA[Gly4401Val]QGLCLLVSHL